The following is an entry in ClinVar:

ClinVar aggregate classification (germline): Uncertain significance (1 of 4 stars; one submission).

Submission:

GeneDx
Classification: Uncertain significance. Last evaluated: 2026-04-22. Review status: criteria provided, single submitter. Criteria: GeneDx Variant Classification Process June 2021. Collection method: clinical testing. Allele origin: germline.
Comment: Not observed at significant frequency in large population cohorts (gnomAD); In silico analysis suggests that this missense variant does not alter protein structure/function; Has not been previously published as pathogenic or benign to our knowledge

NM_021956.5(GRIK2):c.1171G>A (p.Val391Met)

Gene: GRIK2 (glutamate ionotropic receptor kainate type subunit 2; plus strand). Cytogenetic location: 6q16.3.
Variant type: single nucleotide variant.
Coding change: c.1171G>A on transcript NM_021956.5 (MANE Select); coding-DNA position 1171, G replaced by A.
Protein change: p.Val391Met; replaces valine 391 with methionine.
Molecular consequence: missense variant.
Genome position (GRCh38, 1-based): chr6:101,802,406, G>A. VCF-style: chr6-101802406-G-A. GRCh37 (hg19) VCF-style: chr6-102250281-G-A.
Other names: c.1171G>A, p.Val391Met (NM_001166247.1, NM_175768.3); short protein forms V391M.
Identifiers: ClinVar variation 5037584 (VCV005037584.1).